The following is an entry in ClinVar:

ClinVar aggregate classification (germline): Uncertain significance. Review status: criteria provided, multiple submitters, no conflicts (2 of 4 stars). 3 submissions from 3 submitters: Uncertain significance (3). Last evaluated 2024-02-27.

Conditions:
Hereditary cancer-predisposing syndrome. Also called: Tumor predisposition; Neoplastic Syndromes, Hereditary; Hereditary Cancer Syndrome; Hereditary neoplastic syndrome. Identifiers: Orphanet 140162, MedGen C0027672, MeSH D009386, MONDO:0015356.
Hereditary breast ovarian cancer syndrome. Also called: Hereditary breast and ovarian cancer syndrome (HBOC); Breast and ovarian cancer; BRCA1- and BRCA2-Associated Hereditary Breast and Ovarian Cancer; Hereditary breast and ovarian cancer syndrome; Hereditary breast and/or ovarian cancer syndrome; Hereditary breast and ovarian cancer. Identifiers: Orphanet 145, MedGen C0677776, MeSH D061325, MONDO:0003582. Disease mechanism: loss of function.

Submissions (3):

Hereditary Cancer Laboratory, Hospital Universitario 12 de Octubre
Classification: Uncertain significance for Hereditary cancer-predisposing syndrome. Last evaluated: 2024-02-27. Review status: criteria provided, single submitter. Criteria: ACMG Guidelines, 2015. Collection method: clinical testing. Allele origin: germline.
Comment: PM2+BP4

Labcorp Genetics (formerly Invitae), Labcorp
Classification: Uncertain significance for Hereditary breast ovarian cancer syndrome. Last evaluated: 2022-12-17. Review status: criteria provided, single submitter. Criteria: Invitae Variant Classification Sherloc (09022015). Collection method: clinical testing. Allele origin: germline.
Comment: In summary, the available evidence is currently insufficient to determine the role of this variant in disease. Therefore, it has been classified as a Variant of Uncertain Significance. Advanced modeling of protein sequence and biophysical properties (such as structural, functional, and spatial information, amino acid conservation, physicochemical variation, residue mobility, and thermodynamic stability) performed at Invitae indicates that this missense variant is not expected to disrupt BRCA2 protein function. ClinVar contains an entry for this variant (Variation ID: 1704538). This variant has not been reported in the literature in individuals affected with BRCA2-related conditions. This variant is not present in population databases (gnomAD no frequency). This sequence change replaces valine, which is neutral and non-polar, with glycine, which is neutral and non-polar, at codon 2419 of the BRCA2 protein (p.Val2419Gly).

Women's Health and Genetics/Laboratory Corporation of America, LabCorp
Classification: Uncertain significance. Last evaluated: 2022-07-11. Review status: criteria provided, single submitter. Criteria: LabCorp Variant Classification Summary - May 2015. Collection method: clinical testing. Allele origin: germline.
Comment: Variant summary: BRCA2 c.7256T>G (p.Val2419Gly) results in a non-conservative amino acid change in the encoded protein sequence. Four of five in-silico tools predict a benign effect of the variant on protein function. The variant was absent in 251272 control chromosomes (gnomAD). The available data on variant occurrences in the general population are insufficient to allow any conclusion about variant significance. To our knowledge, no occurrence of c.7256T>G in individuals affected with Hereditary Breast And Ovarian Cancer Syndrome and no experimental evidence demonstrating its impact on protein function have been reported. No clinical diagnostic laboratories have submitted clinical-significance assessments for this variant to ClinVar after 2014. Based on the evidence outlined above, the variant was classified as uncertain significance.

NM_000059.4(BRCA2):c.7256T>G (p.Val2419Gly)

Gene: BRCA2 (BRCA2 DNA repair associated; plus strand). Cytogenetic location: 13q13.1.
Variant type: single nucleotide variant.
Coding change: c.7256T>G on transcript NM_000059.4 (MANE Select); coding-DNA position 7256, T replaced by G.
Protein change: p.Val2419Gly; replaces valine 2419 with glycine.
Molecular consequence: missense variant.
Genome position (GRCh38, 1-based): chr13:32,355,109, T>G. VCF-style: chr13-32355109-T-G. GRCh37 (hg19) VCF-style: chr13-32929246-T-G.
Other names: c.7160T>G, p.Val2387Gly (NM_001406719.1); c.7256T>G, p.Val2419Gly (NM_001406720.1); c.2324T>G, p.Val775Gly (NM_001406721.1); c.839T>G, p.Val280Gly (NM_001406722.1); short protein forms V2419G, V280G, V2387G, V775G.
Identifiers: ClinVar variation 1704538 (VCV001704538.5), dbSNP rs2137557370, ClinGen allele CA387740514.